The following is an entry in ClinVar:

ClinVar aggregate classification (germline): Uncertain significance (1 of 4 stars; one submission).

gnomAD v4.1: 1 of 1,613,798 alleles (0.000062%); highest among the groups gnomAD compares: Non-Finnish European, 0.000085%; no homozygotes.

Submission:

Ambry Genetics
Classification: Uncertain significance. Last evaluated: 2022-01-16. Review status: criteria provided, single submitter. Criteria: Ambry Variant Classification Scheme 2023. Collection method: clinical testing. Allele origin: germline.
Comment: The p.K235T variant (also known as c.704A>C), located in coding exon 1 of the PALLD gene, results from an A to C substitution at nucleotide position 704. The lysine at codon 235 is replaced by threonine, an amino acid with similar properties. This amino acid position is conserved. In addition, this alteration is predicted to be tolerated by in silico analysis. Since supporting evidence is limited at this time, the clinical significance of this alteration remains unclear.

NM_001166108.2(PALLD):c.704A>C (p.Lys235Thr)

Gene: PALLD (palladin, cytoskeletal associated protein; plus strand). Cytogenetic location: 4q32.3.
Variant type: single nucleotide variant.
Coding change: c.704A>C on transcript NM_001166108.2 (MANE Select); coding-DNA position 704, A replaced by C.
Protein change: p.Lys235Thr; replaces lysine 235 with threonine.
Molecular consequence: missense variant.
Genome position (GRCh38, 1-based): chr4:168,512,208, A>C. VCF-style: chr4-168512208-A-C. GRCh37 (hg19) VCF-style: chr4-169433359-A-C.
Other names: c.704A>C, p.Lys235Thr (NM_016081.4); short protein forms K235T.
Identifiers: ClinVar variation 1756861 (VCV001756861.2), dbSNP rs775094994, ClinGen allele CA358727997.